The following is an entry in ClinVar:

NM_023110.3(FGFR1):c.1838A>G (p.Tyr613Cys)

Gene: FGFR1 (fibroblast growth factor receptor 1; minus strand). Cytogenetic location: 8p11.23.
Variant type: single nucleotide variant.
Coding change: c.1838A>G on transcript NM_023110.3 (MANE Select); coding-DNA position 1838, A replaced by G.
Protein change: p.Tyr613Cys; replaces tyrosine 613 with cysteine.
Molecular consequence: missense variant.
Genome position (GRCh38, 1-based): chr8:38,415,886, T>C on the plus strand (A>G on the coding strand, the complement: FGFR1 is on the minus strand). VCF-style: chr8-38415886-T-C. GRCh37 (hg19) VCF-style: chr8-38273404-T-C.
Other names: c.1832A>G, p.Tyr611Cys (NM_001174063.2, NM_001174065.2, NM_001354367.2 and 1 more transcripts); c.1808A>G, p.Tyr603Cys (NM_001174064.2); c.1571A>G, p.Tyr524Cys (NM_001174066.2, NM_023105.3); c.1931A>G, p.Tyr644Cys (NM_001174067.2); c.1559A>G, p.Tyr520Cys (NM_001354368.2); c.1826A>G, p.Tyr609Cys (NM_001354369.2); c.1565A>G, p.Tyr522Cys (NM_001354370.2, NM_023106.3); short protein forms Y613C, Y644C, Y524C, Y611C, Y520C, Y522C, Y603C, Y609C.
Identifiers: ClinVar variation 418208 (VCV000418208.2), dbSNP rs1064793124, ClinGen allele CA16618628.

ClinVar aggregate classification (germline): Uncertain significance (1 of 4 stars; one submission).

Submission:

GeneDx
Classification: Uncertain significance. Last evaluated: 2016-11-08. Review status: criteria provided, single submitter. Criteria: GeneDx Variant Classification (06012015). Collection method: clinical testing. Allele origin: germline. Affected: yes.
Comment: A variant of uncertain significance has been identified in the FGFR1 gene. It has not been published as a pathogenic variant, nor has it been reported as a benign variant to our knowledge. The Y613C variant was not observed in approximately 6,400 individuals of European and African American ancestry in the NHLBI Exome Sequencing Project, indicating it is not a common benign variant in these populations. Y613C is a non-conservative amino acid substitution, which is likely to impact secondary protein structure as these residues differ in polarity, charge, size and/or other properties. This substitution occurs at a position that is conserved across species and in silico analysis predicts this variant is probably damaging to the protein structure/function. Additionally, a missense variants in a nearby residue (K618N) has been reported in the Human Gene Mutation Database in association with hypogonadotropic hypogonadism (Stenson et al., 2014), supporting the functional importance of this region of the protein. Therefore, based on the currently available information, it is unclear whether this variant is a pathogenic variant or a rare benign variant.